The following is an entry in ClinVar:

NM_000548.5(TSC2):c.3924T>G (p.Val1308=)

Gene: TSC2 (TSC complex subunit 2; plus strand). Cytogenetic location: 16p13.3.
Variant type: single nucleotide variant.
Coding change: c.3924T>G on transcript NM_000548.5 (MANE Select); coding-DNA position 3924, T replaced by G.
Protein change: p.Val1308=; no amino-acid change (valine 1308 retained).
Molecular consequence: synonymous variant.
Genome position (GRCh38, 1-based): chr16:2,083,735, T>G. VCF-style: chr16-2083735-T-G. GRCh37 (hg19) VCF-style: chr16-2133736-T-G.
Other names: c.3723T>G, p.Val1241= (NM_001077183.3); c.3855T>G, p.Val1285= (NM_001114382.3); c.3615T>G, p.Val1205= (NM_001318827.2); c.3579T>G, p.Val1193= (NM_001318829.2); c.3192T>G, p.Val1064= (NM_001318831.2); c.3756T>G, p.Val1252= (NM_001318832.2); c.3726T>G, p.Val1242= (NM_001363528.2); c.3792T>G, p.Val1264= (NM_001370404.1); and 1 more.
Identifiers: ClinVar variation 238033 (VCV000238033.12), dbSNP rs878854097, ClinGen allele CA10583325.

ClinVar aggregate classification (germline): Benign/Likely benign. Review status: criteria provided, multiple submitters, no conflicts (2 of 4 stars). 3 submissions from 3 submitters: Benign (1); Likely benign (2). Last evaluated 2025-06-02.

Conditions:
Hereditary cancer-predisposing syndrome. Also called: Tumor predisposition; Hereditary Cancer Syndrome; Hereditary neoplastic syndrome; Neoplastic Syndromes, Hereditary. Identifiers: Orphanet 140162, MedGen C0027672, MeSH D009386, MONDO:0015356.
Tuberous sclerosis 2 (TSC2). Identifiers: Orphanet 805, MedGen C1860707, MONDO:0013199, OMIM 613254.

Submissions (3):

Myriad Genetics, Inc.
Classification: Benign for Tuberous sclerosis 2. Last evaluated: 2025-06-02. Review status: criteria provided, single submitter. Criteria: Myriad Autosomal Dominant, Autosomal Recessive and X-Linked Classification Criteria (2023). Collection method: clinical testing. Allele origin: unknown.
Comment: This variant is considered benign. This variant is a silent/synonymous amino acid change and it is not expected to impact splicing.

Ambry Genetics
Classification: Likely benign for Hereditary cancer-predisposing syndrome. Last evaluated: 2024-05-24. Review status: criteria provided, single submitter. Criteria: Ambry Variant Classification Scheme 2023. Collection method: clinical testing. Allele origin: germline.

Labcorp Genetics (formerly Invitae), Labcorp
Classification: Likely benign for Tuberous sclerosis 2. Last evaluated: 2023-07-31. Review status: criteria provided, single submitter. Criteria: Invitae Variant Classification Sherloc (09022015). Collection method: clinical testing. Allele origin: germline.